The following is an entry in ClinVar:

ClinVar aggregate classification (germline): Uncertain significance. Review status: criteria provided, multiple submitters, no conflicts (2 of 4 stars). 2 submissions from 2 submitters: Uncertain significance (2). Last evaluated 2025-09-01.

Conditions:
Developmental and epileptic encephalopathy, 11 (DEE11). Also called: Early infantile epileptic encephalopathy 11. Identifiers: Orphanet 1934, MedGen C3150987, MONDO:0013388, OMIM 613721.
Seizures, benign familial infantile, 3 (BFIS3). Also called: Familial neonatal seizures; CONVULSIONS, BENIGN FAMILIAL INFANTILE, 3. Identifiers: Orphanet 140927, Orphanet 306, MedGen C1843140, MONDO:0011904, OMIM 607745.
Episodic ataxia, type 9. Identifiers: MedGen C5394520, MONDO:0030064, OMIM 618924.

Submissions (2):

Clinical Genomics Laboratory, Washington University in St. Louis
Classification: Uncertain significance for Developmental and epileptic encephalopathy, 11; Seizures, benign familial infantile, 3; Episodic ataxia, type 9. Last evaluated: 2025-09-01. Review status: criteria provided, single submitter. Criteria: ACMG Guidelines, 2015. Collection method: clinical testing. Allele origin: germline.
Comment: The SCN2A c.1292A>G (p.Gln431Arg) variant, to our knowledge, has not been reported in the medical literature. This variant has been reported in the ClinVar database as a germline variant of uncertain significance by one submitter. This variant is absent from the general population (gnomAD v.2.1.1), indicating it is not a common variant. Computational predictors indicate that the variant is damaging, evidence that correlates with impact to SCN2A function. Due to limited information, and based on the ClinGen Epilepsy Sodium Channel Expert Panel Specifications to the ACMG/AMP Variant Interpretation Guidelines for SCN2A Version 2.0.0, the clinical significance of this variant is uncertain at this time.

Labcorp Genetics (formerly Invitae), Labcorp
Classification: Uncertain significance for Seizures, benign familial infantile, 3; Developmental and epileptic encephalopathy, 11. Last evaluated: 2021-04-18. Review status: criteria provided, single submitter. Criteria: Invitae Variant Classification Sherloc (09022015). Collection method: clinical testing. Allele origin: germline.
Comment: This sequence change replaces glutamine with arginine at codon 431 of the SCN2A protein (p.Gln431Arg). The glutamine residue is highly conserved and there is a small physicochemical difference between glutamine and arginine. This variant is not present in population databases (ExAC no frequency). This variant has been observed in individual(s) with benign familial neonatal-infantile seizures (Invitae). Algorithms developed to predict the effect of missense changes on protein structure and function are either unavailable or do not agree on the potential impact of this missense change (SIFT: "Deleterious"; PolyPhen-2: "Probably Damaging"; Align-GVGD: "Class C0"). In summary, the available evidence is currently insufficient to determine the role of this variant in disease. Therefore, it has been classified as a Variant of Uncertain Significance.

NM_001040142.2(SCN2A):c.1292A>G (p.Gln431Arg)

Gene: SCN2A (sodium voltage-gated channel alpha subunit 2; plus strand). Cytogenetic location: 2q24.3.
Variant type: single nucleotide variant.
Coding change: c.1292A>G on transcript NM_001040142.2 (MANE Select); coding-DNA position 1292, A replaced by G.
Protein change: p.Gln431Arg; replaces glutamine 431 with arginine.
Molecular consequence: missense variant.
Genome position (GRCh38, 1-based): chr2:165,314,017, A>G. VCF-style: chr2-165314017-A-G. GRCh37 (hg19) VCF-style: chr2-166170527-A-G.
Other names: c.1292A>G, p.Gln431Arg (NM_001040143.2, NM_001371246.1, NM_001371247.1 and 1 more transcripts); short protein forms Q431R.
Identifiers: ClinVar variation 934168 (VCV000934168.11), dbSNP rs1697588104, ClinGen allele CA349022302.